The following is an entry in ClinVar:

NM_014000.3(VCL):c.1346G>A (p.Arg449Gln)

Gene: VCL (vinculin; plus strand). Cytogenetic location: 10q22.2.
Variant type: single nucleotide variant.
Coding change: c.1346G>A on transcript NM_014000.3 (MANE Select); coding-DNA position 1346, G replaced by A.
Protein change: p.Arg449Gln; replaces arginine 449 with glutamine.
Molecular consequence: missense variant.
Genome position (GRCh38, 1-based): chr10:74,090,192, G>A. VCF-style: chr10-74090192-G-A. GRCh37 (hg19) VCF-style: chr10-75849950-G-A.
Other names: c.1346G>A, p.Arg449Gln (NM_003373.4); short protein forms R449Q.
Identifiers: ClinVar variation 423351 (VCV000423351.14), dbSNP rs755234443, ClinGen allele CA16618987.

ClinVar aggregate classification (germline): Uncertain significance. Review status: criteria provided, multiple submitters, no conflicts (2 of 4 stars). 3 submissions from 3 submitters: Uncertain significance (3). Last evaluated 2025-10-13.

Conditions:
Cardiovascular phenotype. Identifiers: MedGen CN230736.
Dilated cardiomyopathy 1W (CMD1W). Identifiers: Orphanet 154, MedGen C1969639, MONDO:0012667, OMIM 611407.

Allele frequency attached by ClinVar (database versions not stated): TOPMed 0.00001.
gnomAD v4.1: 21 of 1,614,090 alleles (0.0013%); highest among the groups gnomAD compares: East Asian, 0.0045%; no homozygotes.

Submissions (3):

Labcorp Genetics (formerly Invitae), Labcorp
Classification: Uncertain significance for Dilated cardiomyopathy 1W. Last evaluated: 2025-10-13. Review status: criteria provided, single submitter. Criteria: Invitae Variant Classification Sherloc (09022015). Collection method: clinical testing. Allele origin: germline.
Comment: This sequence change replaces arginine, which is basic and polar, with glutamine, which is neutral and polar, at codon 449 of the VCL protein (p.Arg449Gln). This variant is present in population databases (no rsID available, gnomAD 0.003%). This variant has not been reported in the literature in individuals affected with VCL-related conditions. ClinVar contains an entry for this variant (Variation ID: 423351). An algorithm developed to predict the effect of missense changes on protein structure and function (PolyPhen-2) suggests that this variant is likely to be disruptive. In summary, the available evidence is currently insufficient to determine the role of this variant in disease. Therefore, it has been classified as a Variant of Uncertain Significance.

Ambry Genetics
Classification: Uncertain significance for Cardiovascular phenotype. Last evaluated: 2024-05-30. Review status: criteria provided, single submitter. Criteria: Ambry Variant Classification Scheme 2023. Collection method: clinical testing. Allele origin: germline.
Comment: The p.R449Q variant (also known as c.1346G>A), located in coding exon 10 of the VCL gene, results from a G to A substitution at nucleotide position 1346. The arginine at codon 449 is replaced by glutamine, an amino acid with highly similar properties. This amino acid position is conserved. In addition, the in silico prediction for this alteration is inconclusive. Based on the available evidence, the clinical significance of this variant remains unclear.

GeneDx
Classification: Uncertain significance. Last evaluated: 2017-02-07. Review status: criteria provided, single submitter. Criteria: GeneDx Variant Classification (06012015). Collection method: clinical testing. Allele origin: germline. Affected: yes.
Comment: A variant of uncertain significance has been identified in the VCL gene. The R449Q variant has not been published as pathogenic or been reported as benign to our knowledge. This variant is not observed in large population cohorts (Lek et al., 2016; 1000 Genomes Consortium et al., 2015; Exome Variant Server). The R449Q variant is a semi-conservative amino acid substitution, which may impact secondary protein structure as these residues differ in some properties. This substitution occurs at a position that is conserved across species, and in silico analysis predicts this variant is probably damaging to the protein structure/function. However, to our knowledge no studies have been performed to determine the functional effect of the R449Q variant.